The following is an entry in ClinVar:

ClinVar aggregate classification (germline): Likely pathogenic (1 of 4 stars; one submission).

Conditions:
Cardiovascular phenotype. Identifiers: MedGen CN230736.
Hereditary cancer-predisposing syndrome. Also called: Neoplastic Syndromes, Hereditary; Tumor predisposition; Hereditary neoplastic syndrome; Hereditary Cancer Syndrome. Identifiers: Orphanet 140162, MedGen C0027672, MeSH D009386, MONDO:0015356.

Submission:

Ambry Genetics
Classification: Likely pathogenic for Cardiovascular phenotype; Hereditary cancer-predisposing syndrome. Last evaluated: 2026-06-24. Review status: criteria provided, single submitter. Criteria: Ambry Variant Classification Scheme 2023. Collection method: clinical testing. Allele origin: germline.
Comment: The c.1528-2delA intronic variant, located in intron 13 of the NF1 gene, results from a deletion of one nucleotide within intron 13 of the NF1 gene. Variants that disrupt the canonical splice site are expected to result in aberrant splicing. In silico splice site analysis predicts that this alteration will weaken the native splice acceptor site and may result in the creation or strengthening of a novel splice acceptor site. A resulting transcript is predicted to be in-frame and is not expected to trigger nonsense-mediated mRNAdecay; although, direct evidence is unavailable. However, the region predicted to be impacted is critical for protein function (Ambry internal data). This variant is considered to be rare based on population cohorts in the Genome Aggregation Database (gnomAD). This nucleotide position is highly conserved in available vertebrate species. Based on the majority of available evidence to date, this variant is likely to be pathogenic.

NM_001042492.3(NF1):c.1528-2del

Gene: NF1 (neurofibromin 1; plus strand). Cytogenetic location: 17q11.2.
Variant type: Deletion.
Coding change: c.1528-2del on transcript NM_001042492.3 (MANE Select); the canonical splice acceptor site of the intron before coding-DNA position 1528, one base deleted (A; older notation c.1528-2delA).
Molecular consequence: splice acceptor variant.
Genome position (GRCh38, 1-based): chr17:31,219,003, A deleted. VCF-style (leftmost placement, unchanged base first): chr17-31219002-CA-C. GRCh37 (hg19) VCF-style: chr17-29546020-CA-C.
Other names: c.1528-2del (NM_000267.4, NM_001128147.3).
Identifiers: ClinVar variation 5025537 (VCV005025537.1).